The following is an entry in ClinVar:

NM_006030.4(CACNA2D2):c.1942T>A (p.Tyr648Asn)

Gene: CACNA2D2 (calcium voltage-gated channel auxiliary subunit alpha2delta 2; minus strand). Cytogenetic location: 3p21.31.
Variant type: single nucleotide variant.
Coding change: c.1942T>A on transcript NM_006030.4 (MANE Select); coding-DNA position 1942, T replaced by A.
Protein change: p.Tyr648Asn; replaces tyrosine 648 with asparagine.
Molecular consequence: missense variant.
Genome position (GRCh38, 1-based): chr3:50,374,779, A>T on the plus strand (T>A on the coding strand, the complement: CACNA2D2 is on the minus strand). VCF-style: chr3-50374779-A-T. GRCh37 (hg19) VCF-style: chr3-50412210-A-T.
Other names: c.1942T>A, p.Tyr648Asn (NM_001005505.3, NM_001174051.3); c.1735T>A, p.Tyr579Asn (NM_001291101.1); short protein forms Y648N, Y579N.
Identifiers: ClinVar variation 530472 (VCV000530472.8), dbSNP rs1309933213, ClinGen allele CA352922038.

ClinVar aggregate classification (germline): Uncertain significance (1 of 4 stars; one submission).

Conditions:
Early-infantile DEE. Also called: Early infantile epileptic encephalopathy; Early infantile epileptic encephalopathy with suppression bursts; Ohtahara syndrome. Identifiers: Orphanet 1934, MedGen C0393706, MONDO:0800491.

Allele frequency attached by ClinVar (database versions not stated): gnomAD exomes below 0.00001.
gnomAD v4.1: 6 of 1,598,094 alleles (0.00038%); highest among the groups gnomAD compares: African/African-American, 0.0013%; no homozygotes.

Submission:

Labcorp Genetics (formerly Invitae), Labcorp
Classification: Uncertain significance for Early-infantile DEE. Last evaluated: 2019-05-07. Review status: criteria provided, single submitter. Criteria: Invitae Variant Classification Sherloc (09022015). Collection method: clinical testing. Allele origin: germline.
Comment: This sequence change replaces tyrosine with asparagine at codon 648 of the CACNA2D2 protein (p.Tyr648Asn). The tyrosine residue is moderately conserved and there is a large physicochemical difference between tyrosine and asparagine. This variant is not present in population databases (ExAC no frequency). This variant has not been reported in the literature in individuals with CACNA2D2-related disease. Algorithms developed to predict the effect of missense changes on protein structure and function do not agree on the potential impact of this missense change (SIFT: "Deleterious"; PolyPhen-2: "Possibly Damaging"; Align-GVGD: "Class C0"). In summary, the available evidence is currently insufficient to determine the role of this variant in disease. Therefore, it has been classified as a Variant of Uncertain Significance.